The following is an entry in ClinVar:

ClinVar aggregate classification (germline): Uncertain significance (1 of 4 stars; one submission).

Conditions:
Encephalopathy, acute, infection-induced (herpes-specific), susceptibility to, 1. Also called: Herpes simplex encephalitis, susceptibility to, 1. Identifiers: Orphanet 1930, MedGen C2750180, MONDO:0024563, OMIM 610551.

Submission:

Labcorp Genetics (formerly Invitae), Labcorp
Classification: Uncertain significance for Encephalopathy, acute, infection-induced (herpes-specific), susceptibility to, 1. Last evaluated: 2023-12-01. Review status: criteria provided, single submitter. Criteria: Invitae Variant Classification Sherloc (09022015). Collection method: clinical testing. Allele origin: germline.
Comment: This variant, c.1882_1884del, results in the deletion of 1 amino acid(s) of the TLR3 protein (p.Lys628del), but otherwise preserves the integrity of the reading frame. This variant is present in population databases (rs764748873, gnomAD 0.01%). This variant has not been reported in the literature in individuals affected with TLR3-related conditions. In summary, the available evidence is currently insufficient to determine the role of this variant in disease. Therefore, it has been classified as a Variant of Uncertain Significance.

NM_003265.3(TLR3):c.1879AAG[1] (p.Lys628del)

Gene: TLR3 (toll like receptor 3; plus strand). Cytogenetic location: 4q35.1.
Variant type: Microsatellite.
Coding change: c.1879AAG[1] on transcript NM_003265.3 (MANE Select); one copy of the 3-base unit AAG starting at c.1879; the reference has two copies in a row; one copy, 3 bases deleted.
Protein change: p.Lys628del; deletes lysine 628.
Molecular consequence: inframe deletion.
Genome position (GRCh38, 1-based): chr4:186,083,568-186,083,570, AAG deleted; deleting any 3 consecutive bases within chr4:186,083,563-186,083,570 gives the same sequence; the position shown is the placement nearest the transcript's 3' end. VCF-style (leftmost placement, unchanged base first): chr4-186083562-GAGA-G. GRCh37 (hg19) VCF-style: chr4-187004716-GAGA-G.
Other names: short protein forms K628del.
Identifiers: ClinVar variation 2153543 (VCV002153543.4), dbSNP rs764748873, ClinGen allele CA3161485.